The following is an entry in ClinVar:

ClinVar aggregate classification (germline): Uncertain significance (1 of 4 stars; one submission).

Submission:

Labcorp Genetics (formerly Invitae), Labcorp
Classification: Uncertain significance. Last evaluated: 2025-12-23. Review status: criteria provided, single submitter. Criteria: Invitae Variant Classification Sherloc (09022015). Collection method: clinical testing. Allele origin: germline.
Comment: This sequence change replaces lysine, which is basic and polar, with asparagine, which is neutral and polar, at codon 1617 of the PIEZO2 protein (p.Lys1617Asn). This variant is not present in population databases (gnomAD no frequency). This variant has not been reported in the literature in individuals affected with PIEZO2-related conditions. Invitae Evidence Modeling of protein sequence and biophysical properties (such as structural, functional, and spatial information, amino acid conservation, physicochemical variation, residue mobility, and thermodynamic stability) indicates that this missense variant is not expected to disrupt PIEZO2 protein function with a negative predictive value of 95%. In summary, the available evidence is currently insufficient to determine the role of this variant in disease. Therefore, it has been classified as a Variant of Uncertain Significance.

NM_001378183.1(PIEZO2):c.5025G>C (p.Lys1675Asn)

Gene: PIEZO2 (piezo type mechanosensitive ion channel component 2; minus strand). Cytogenetic location: 18p11.22.
Variant type: single nucleotide variant.
Coding change: c.5025G>C on transcript NM_001378183.1 (MANE Select); coding-DNA position 5025, G replaced by C.
Protein change: p.Lys1675Asn; replaces lysine 1675 with asparagine.
Molecular consequence: missense variant.
Genome position (GRCh38, 1-based): chr18:10,731,411, C>G on the plus strand (G>C on the coding strand, the complement: PIEZO2 is on the minus strand). VCF-style: chr18-10731411-C-G. GRCh37 (hg19) VCF-style: chr18-10731409-C-G.
Other names: c.4926G>C, p.Lys1642Asn (NM_001410871.1); c.4851G>C, p.Lys1617Asn (NM_022068.4); short protein forms K1617N, K1642N, K1675N.
Identifiers: ClinVar variation 4802991 (VCV004802991.1).